The following is an entry in ClinVar:

ClinVar aggregate classification (germline): Pathogenic (1 of 4 stars; one submission).

Conditions:
Wilms tumor 1 (WT1). Also called: Wilms tumor, somatic. Identifiers: Orphanet 654, MedGen CN033288, MONDO:0008679, OMIM 194070.
11p partial monosomy syndrome (WAGR). Also called: WAGR Spectrum Disorder; WAGR syndrome; CHROMOSOME 11p13 DELETION SYNDROME; WAGR Complex. Identifiers: Orphanet 893, MedGen C0206115, MONDO:0008681, OMIM 194072.
Drash syndrome (DDS). Also called: NEPHROPATHY, WILMS TUMOR, AND GENITAL ANOMALIES; WILMS TUMOR AND PSEUDO- OR TRUE HERMAPHRODITISM. Identifiers: Orphanet 220, MedGen C0950121, MONDO:0008682, OMIM 194080.
Frasier syndrome. Identifiers: Orphanet 347, MedGen C0950122, MeSH D052159, MONDO:0007635, OMIM 136680.

Submission:

Labcorp Genetics (formerly Invitae), Labcorp
Classification: Pathogenic for Wilms tumor 1; Drash syndrome; 11p partial monosomy syndrome; Frasier syndrome. Last evaluated: 2022-03-09. Review status: criteria provided, single submitter. Criteria: Invitae Variant Classification Sherloc (09022015). Collection method: clinical testing. Allele origin: germline.
Comment: For these reasons, this variant has been classified as Pathogenic. This premature translational stop signal has been observed in individual(s) with Wilms tumor (PMID: 30221469). This variant is not present in population databases (gnomAD no frequency). This sequence change creates a premature translational stop signal (p.Gln300*) in the WT1 gene. It is expected to result in an absent or disrupted protein product. Loss-of-function variants in WT1 are known to be pathogenic (PMID: 15150775).

Literature cited by the submitters: PubMed 30221469; PubMed 15150775.

NM_024426.6(WT1):c.913C>T (p.Gln305Ter)

Gene: WT1 (WT1 transcription factor; minus strand). Cytogenetic location: 11p13.
Variant type: single nucleotide variant.
Coding change: c.913C>T on transcript NM_024426.6 (MANE Select); coding-DNA position 913, C replaced by T.
Protein change: p.Gln305Ter; replaces glutamine 305 with a stop codon.
Molecular consequence: nonsense. On other transcripts: non-coding transcript variant (1).
Genome position (GRCh38, 1-based): chr11:32,417,629, G>A on the plus strand (C>T on the coding strand, the complement: WT1 is on the minus strand). VCF-style: chr11-32417629-G-A. GRCh37 (hg19) VCF-style: chr11-32439175-G-A.
Other names: c.913C>T, p.Gln305Ter (NM_000378.6, NM_001407044.1, NM_001407045.1 and 4 more transcripts); c.262C>T, p.Gln88Ter (NM_001198551.2, NM_001198552.2); c.790C>T, p.Gln264Ter (NM_001407047.1, NM_001407050.1); c.151C>T, p.Gln51Ter (NM_001407051.1); c.898C>T, p.Gln300Ter (NM_024425.2); short protein forms Q305*, Q51*, Q264*, Q88*, Q300*.
Identifiers: ClinVar variation 2100281 (VCV002100281.4), dbSNP rs2133037431, ClinGen allele CA379962168.